The following is an entry in ClinVar:

NM_014975.3(MAST1):c.4306A>G (p.Ile1436Val)

Gene: MAST1 (microtubule associated serine/threonine kinase 1; plus strand). Cytogenetic location: 19p13.13.
Variant type: single nucleotide variant.
Coding change: c.4306A>G on transcript NM_014975.3 (MANE Select); coding-DNA position 4306, A replaced by G.
Protein change: p.Ile1436Val; replaces isoleucine 1436 with valine.
Molecular consequence: missense variant.
Genome position (GRCh38, 1-based): chr19:12,874,463, A>G. VCF-style: chr19-12874463-A-G. GRCh37 (hg19) VCF-style: chr19-12985277-A-G.
Other names: short protein forms I1436V.
Identifiers: ClinVar variation 3701392 (VCV003701392.2).

ClinVar aggregate classification (germline): Uncertain significance (1 of 4 stars; one submission).

Submission:

Labcorp Genetics (formerly Invitae), Labcorp
Classification: Uncertain significance. Last evaluated: 2024-07-12. Review status: criteria provided, single submitter. Criteria: Invitae Variant Classification Sherloc (09022015). Collection method: clinical testing. Allele origin: germline.
Comment: This sequence change replaces isoleucine, which is neutral and non-polar, with valine, which is neutral and non-polar, at codon 1436 of the MAST1 protein (p.Ile1436Val). This variant is not present in population databases (gnomAD no frequency). This variant has not been reported in the literature in individuals affected with MAST1-related conditions. An algorithm developed to predict the effect of missense changes on protein structure and function (PolyPhen-2) suggests that this variant is likely to be disruptive. In summary, the available evidence is currently insufficient to determine the role of this variant in disease. Therefore, it has been classified as a Variant of Uncertain Significance.